The following is an entry in ClinVar:

ClinVar aggregate classification (germline): Uncertain significance (1 of 4 stars; one submission).

Conditions:
Epilepsy, familial focal, with variable foci 3 (FFEVF3). Identifiers: MedGen C4310708, MONDO:0014925, OMIM 617118.

gnomAD v4.1: 3 of 1,613,126 alleles (0.00019%); highest among the groups gnomAD compares: East Asian, 0.0022%; no homozygotes.

Submission:

Labcorp Genetics (formerly Invitae), Labcorp
Classification: Uncertain significance for Epilepsy, familial focal, with variable foci 3. Last evaluated: 2024-04-02. Review status: criteria provided, single submitter. Criteria: Invitae Variant Classification Sherloc (09022015). Collection method: clinical testing. Allele origin: germline.
Comment: This sequence change falls in intron 4 of the NPRL3 gene. It does not directly change the encoded amino acid sequence of the NPRL3 protein. It affects a nucleotide within the consensus splice site. This variant is present in population databases (rs746765533, gnomAD 0.0009%). This variant has not been reported in the literature in individuals affected with NPRL3-related conditions. ClinVar contains an entry for this variant (Variation ID: 1416354). Variants that disrupt the consensus splice site are a relatively common cause of aberrant splicing (PMID: 17576681, 9536098). Algorithms developed to predict the effect of sequence changes on RNA splicing suggest that this variant may disrupt the consensus splice site. In summary, the available evidence is currently insufficient to determine the role of this variant in disease. Therefore, it has been classified as a Variant of Uncertain Significance.

Literature cited by the submitters: PubMed 17576681; PubMed 9536098.

NM_001077350.3(NPRL3):c.318+3A>G

Genes: HBA-LCR (alpha-globin locus control region; plus strand), NPRL3 (NPR3 like, GATOR1 complex subunit; minus strand). Cytogenetic location: 16p13.3.
Variant type: single nucleotide variant.
Coding change: c.318+3A>G on transcript NM_001077350.3 (MANE Select); 3 bases into the intron after coding-DNA position 318, A replaced by G.
Molecular consequence: intron variant.
Genome position (GRCh38, 1-based): chr16:119,123, T>C on the plus strand (A>G on the coding strand, the complement: NPRL3 is on the minus strand). VCF-style: chr16-119123-T-C. GRCh37 (hg19) VCF-style: chr16-169122-T-C.
Other names: c.84+3A>G (NM_001243247.2); c.318+3A>G (NM_001243248.2, NM_001243249.2); c.-144-6348A>G (NM_001039476.3).
Identifiers: ClinVar variation 1416354 (VCV001416354.6), dbSNP rs746765533, ClinGen allele CA7769715.